The following is an entry in ClinVar:

NM_001270.4(CHD1):c.4574C>T (p.Pro1525Leu)

Gene: CHD1 (chromodomain helicase DNA binding protein 1; minus strand). Cytogenetic location: 5q15.
Variant type: single nucleotide variant.
Coding change: c.4574C>T on transcript NM_001270.4 (MANE Select); coding-DNA position 4574, C replaced by T.
Protein change: p.Pro1525Leu; replaces proline 1525 with leucine.
Molecular consequence: missense variant. On other transcripts: non-coding transcript variant (2).
Genome position (GRCh38, 1-based): chr5:98,858,966, G>A on the plus strand (C>T on the coding strand, the complement: CHD1 is on the minus strand). VCF-style: chr5-98858966-G-A. GRCh37 (hg19) VCF-style: chr5-98194670-G-A.
Other names: c.4838C>T, p.Pro1613Leu (NM_001364113.3); c.4574C>T, p.Pro1525Leu (NM_001376194.2); short protein forms P1525L, P1613L.
Identifiers: ClinVar variation 2682249 (VCV002682249.1), dbSNP rs765508910, ClinGen allele CA360517633.
Genomic context (GRCh38, chr5:98,858,966, plus strand): 5'-CAAAAATTTAAAAAAAATTTTTTTTAATTTATTTTCCCAATCAGTAAGGCTTACATACCT[G>A]GATTTCTAATCACGTGAGGATTCAAGTTGCTGTTTTGATCACTGTTTTGCTAAAATAAAT-3'
Protein context (NP_001261.2, residues 1515-1535): SNLNPHVIRN[Pro1525Leu]DVERLKENTN

ClinVar aggregate classification (germline): Uncertain significance (1 of 4 stars; one submission).

Submission:

Women's Health and Genetics/Laboratory Corporation of America, LabCorp
Classification: Uncertain significance. Last evaluated: 2023-11-22. Review status: criteria provided, single submitter. Criteria: LabCorp Variant Classification Summary - May 2015. Collection method: clinical testing. Allele origin: germline.
Comment: Variant summary: CHD1 c.4574C>T (p.Pro1525Leu) results in a non-conservative amino acid change in the encoded protein sequence. Three of five in-silico tools predict a damaging effect of the variant on protein function. The variant was absent in 197052 control chromosomes. The available data on variant occurrences in the general population are insufficient to allow any conclusion about variant significance. To our knowledge, no occurrence of c.4574C>T in individuals affected with Pilarowski-Bjornsson Syndrome and no experimental evidence demonstrating its impact on protein function have been reported. No submitters have cited clinical-significance assessments for this variant to ClinVar after 2014. Based on the evidence outlined above, the variant was classified as uncertain significance.